The following is an entry in ClinVar:

NM_001042492.3(NF1):c.1722-11del

Gene: NF1 (neurofibromin 1; plus strand). Cytogenetic location: 17q11.2.
Variant type: Deletion.
Coding change: c.1722-11del on transcript NM_001042492.3 (MANE Select); 11 bases into the intron before coding-DNA position 1722, one base deleted (T; older notation c.1722-11delT).
Molecular consequence: intron variant.
Genome position (GRCh38, 1-based): chr17:31,223,433, T deleted. VCF-style (leftmost placement, unchanged base first): chr17-31223432-AT-A. GRCh37 (hg19) VCF-style: chr17-29550450-AT-A.
Other names: c.1722-11del (NM_000267.4).
Identifiers: ClinVar variation 5025593 (VCV005025593.1).
Genomic context (GRCh38, chr17:31,223,432, plus strand): 5'-ATTCTTATGTCTGGTTATATCTGCATTAGGTTATTGATGATGCTAGTAACAATGAACTTT[AT>A]GTTACTGCAGCTCACAAATGCTTTTTTACATCTGCAAGAAATTAACTAGTCATCAAATGC-3'

ClinVar aggregate classification (germline): Uncertain significance (1 of 4 stars; one submission).

Conditions:
Cardiovascular phenotype. Identifiers: MedGen CN230736.
Hereditary cancer-predisposing syndrome. Also called: Neoplastic Syndromes, Hereditary; Tumor predisposition; Hereditary neoplastic syndrome; Hereditary Cancer Syndrome. Identifiers: Orphanet 140162, MedGen C0027672, MeSH D009386, MONDO:0015356.

Submission:

Ambry Genetics
Classification: Uncertain significance for Cardiovascular phenotype; Hereditary cancer-predisposing syndrome. Last evaluated: 2026-08-05. Review status: criteria provided, single submitter. Criteria: Ambry Variant Classification Scheme 2023. Collection method: clinical testing. Allele origin: germline.
Comment: The c.1722-11delT intronic variant, located in intron 15 of the NF1 gene, results from a deletion of one nucleotide within intron 15 of the NF1 gene. This variant was reported in individual(s) with features consistent with neurofibromatosis type 1 (Ambry internal data). This nucleotide position is highly conserved in available vertebrate species. In silico splice site analysis predicts that this alteration will weaken the native splice acceptor site; however, direct evidence is insufficient at this time (Ambry internal data). Based on the available evidence, the clinical significance of this variant remains unclear.